The following is an entry in ClinVar:

NM_004586.3(RPS6KA3):c.631+6A>C

Gene: RPS6KA3 (ribosomal protein S6 kinase A3; minus strand). Cytogenetic location: Xp22.12.
Variant type: single nucleotide variant.
Coding change: c.631+6A>C on transcript NM_004586.3 (MANE Select); 6 bases into the intron after coding-DNA position 631, A replaced by C.
Molecular consequence: intron variant.
Genome position (GRCh38, 1-based): chrX:20,188,491, T>G on the plus strand (A>C on the coding strand, the complement: RPS6KA3 is on the minus strand). VCF-style: chrX-20188491-T-G. GRCh37 (hg19) VCF-style: chrX-20206609-T-G.
Other names: c.547+6A>C (NM_001438340.1).
Identifiers: ClinVar variation 4785213 (VCV004785213.1).

ClinVar aggregate classification (germline): Uncertain significance (1 of 4 stars; one submission).

Conditions:
Intellectual developmental disorder, X-linked 19. Also called: Intellectual disability, X-linked 19. Identifiers: Orphanet 777, MedGen C0796225, MONDO:0010447, OMIM 300844.
Coffin-Lowry syndrome (CLS). Also called: Mental retardation with osteocartilaginous abnormalities; COFFIN-LOWRY SYNDROME, MILD. Identifiers: Orphanet 192, MedGen C0265252, MONDO:0010561, OMIM 303600.

Submission:

Labcorp Genetics (formerly Invitae), Labcorp
Classification: Uncertain significance for Coffin-Lowry syndrome; Intellectual developmental disorder, X-linked 19. Last evaluated: 2025-06-08. Review status: criteria provided, single submitter. Criteria: Invitae Variant Classification Sherloc (09022015). Collection method: clinical testing. Allele origin: germline.
Comment: This sequence change falls in intron 8 of the RPS6KA3 gene. It does not directly change the encoded amino acid sequence of the RPS6KA3 protein. It affects a nucleotide within the consensus splice site. This variant is not present in population databases (gnomAD no frequency). This variant has not been reported in the literature in individuals affected with RPS6KA3-related conditions. Variants that disrupt the consensus splice site are a relatively common cause of aberrant splicing (PMID: 17576681, 9536098). Algorithms developed to predict the effect of sequence changes on RNA splicing suggest that this variant is not likely to affect RNA splicing. In summary, the available evidence is currently insufficient to determine the role of this variant in disease. Therefore, it has been classified as a Variant of Uncertain Significance.

Literature cited by the submitters: PubMed 17576681; PubMed 9536098.